The following is an entry in ClinVar:

NM_000051.4(ATM):c.4496G>C (p.Ser1499Thr)

Gene: ATM (ATM serine/threonine kinase; plus strand). Cytogenetic location: 11q22.3.
Variant type: single nucleotide variant.
Coding change: c.4496G>C on transcript NM_000051.4 (MANE Select); coding-DNA position 4496, G replaced by C.
Protein change: p.Ser1499Thr; replaces serine 1499 with threonine.
Molecular consequence: missense variant.
Genome position (GRCh38, 1-based): chr11:108,292,678, G>C. VCF-style: chr11-108292678-G-C. GRCh37 (hg19) VCF-style: chr11-108163405-G-C.
Other names: c.4496G>C, p.Ser1499Thr (NM_001351834.2); short protein forms S1499T.
Identifiers: ClinVar variation 479083 (VCV000479083.9), dbSNP rs1222314846, ClinGen allele CA382533413.

ClinVar aggregate classification (germline): Uncertain significance. Review status: criteria provided, multiple submitters, no conflicts (2 of 4 stars). 3 submissions from 3 submitters: Uncertain significance (3). Last evaluated 2023-05-04.

Conditions:
Hereditary cancer-predisposing syndrome. Also called: Tumor predisposition; Neoplastic Syndromes, Hereditary; Hereditary Cancer Syndrome; Hereditary neoplastic syndrome. Identifiers: Orphanet 140162, MedGen C0027672, MeSH D009386, MONDO:0015356.
Ataxia-telangiectasia syndrome (AT). Also called: Cerebello-oculocutaneous telangiectasia; Immunodeficiency with ataxia telangiectasia; ATAXIA-TELANGIECTASIA, COMPLEMENTATION GROUP A; Ataxia-telangiectasia, complementation group D; AT, COMPLEMENTATION GROUP C; ATAXIA-TELANGIECTASIA, FRESNO VARIANT. Identifiers: Orphanet 100, MedGen C0004135, MONDO:0008840, OMIM 208900.

Submissions (3):

Labcorp Genetics (formerly Invitae), Labcorp
Classification: Uncertain significance for Ataxia-telangiectasia syndrome. Last evaluated: 2023-05-04. Review status: criteria provided, single submitter. Criteria: Invitae Variant Classification Sherloc (09022015). Collection method: clinical testing. Allele origin: germline.
Comment: In summary, the available evidence is currently insufficient to determine the role of this variant in disease. Therefore, it has been classified as a Variant of Uncertain Significance. RNA analysis performed to evaluate the impact of this missense change on mRNA splicing indicates it does not significantly alter splicing (Invitae). An algorithm developed to predict the effect of missense changes on protein structure and function (PolyPhen-2) suggests that this variant is likely to be tolerated. ClinVar contains an entry for this variant (Variation ID: 479083). This variant has not been reported in the literature in individuals affected with ATM-related conditions. This variant is not present in population databases (gnomAD no frequency). This sequence change replaces serine, which is neutral and polar, with threonine, which is neutral and polar, at codon 1499 of the ATM protein (p.Ser1499Thr).

Sema4
Classification: Uncertain significance for Hereditary cancer-predisposing syndrome. Last evaluated: 2021-11-01. Review status: criteria provided, single submitter. Criteria: Sema4 Curation Guidelines. Collection method: curation. Allele origin: germline.
Comment: The ATM c.4496G>C (p.S1499T) variant has not been reported in the literature to our knowledge. It was not observed in the large and broad cohorts of the Genome Aggregation Database, but has been reported in ClinVar (Variation ID 479083). In silico tools suggest the impact of the variant on protein function is benign, though these predictions have not been confirmed by functional studies. The evidence is insufficient to meet ACMG/AMP criteria for classifying the variant as benign or pathogenic. Thus, the clinical significance of this variant is currently uncertain.

Ambry Genetics
Classification: Uncertain significance for Hereditary cancer-predisposing syndrome. Last evaluated: 2018-11-05. Review status: criteria provided, single submitter. Criteria: Ambry Variant Classification Scheme 2023. Collection method: clinical testing. Allele origin: germline.
Comment: The p.S1499T variant (also known as c.4496G>C), located in coding exon 29 of the ATM gene, results from a G to C substitution at nucleotide position 4496. The serine at codon 1499 is replaced by threonine, an amino acid with similar properties. This amino acid position is not well conserved in available vertebrate species. In addition, this alteration is predicted to be tolerated by in silico analysis. Since supporting evidence is limited at this time, the clinical significance of this alteration remains unclear.